The following is an entry in ClinVar:

ClinVar aggregate classification (germline): Uncertain significance (1 of 4 stars; one submission).

Conditions:
Autosomal dominant spastic paraplegia type 9. Identifiers: MedGen C1832669, MONDO:0015091.
de Barsy syndrome. Also called: Cutis laxa-corneal clouding-oligophrenia syndrome. Identifiers: Orphanet 2962, MedGen C0268354, MONDO:0017569.
Cutis laxa, autosomal dominant 3 (ADCL3). Identifiers: Orphanet 90348, MedGen C4225268, MONDO:0014706, OMIM 616603.

gnomAD v4.1: 1 of 1,614,084 alleles (0.000062%); highest among the groups gnomAD compares: Non-Finnish European, 0.000085%; no homozygotes.

Submission:

Labcorp Genetics (formerly Invitae), Labcorp
Classification: Uncertain significance for Autosomal dominant spastic paraplegia type 9; de Barsy syndrome; Cutis laxa, autosomal dominant 3. Last evaluated: 2023-10-22. Review status: criteria provided, single submitter. Criteria: Invitae Variant Classification Sherloc (09022015). Collection method: clinical testing. Allele origin: germline.
Comment: This sequence change replaces glutamic acid, which is acidic and polar, with glutamine, which is neutral and polar, at codon 465 of the ALDH18A1 protein (p.Glu465Gln). This variant is not present in population databases (gnomAD no frequency). This variant has not been reported in the literature in individuals affected with ALDH18A1-related conditions. ClinVar contains an entry for this variant (Variation ID: 579657). Advanced modeling of protein sequence and biophysical properties (such as structural, functional, and spatial information, amino acid conservation, physicochemical variation, residue mobility, and thermodynamic stability) has been performed at Invitae for this missense variant, however the output from this modeling did not meet the statistical confidence thresholds required to predict the impact of this variant on ALDH18A1 protein function. In summary, the available evidence is currently insufficient to determine the role of this variant in disease. Therefore, it has been classified as a Variant of Uncertain Significance.

NM_002860.4(ALDH18A1):c.1393G>C (p.Glu465Gln)

Gene: ALDH18A1 (aldehyde dehydrogenase 18 family member A1; minus strand). Cytogenetic location: 10q24.1.
Variant type: single nucleotide variant.
Coding change: c.1393G>C on transcript NM_002860.4 (MANE Select); coding-DNA position 1393, G replaced by C.
Protein change: p.Glu465Gln; replaces glutamic acid 465 with glutamine.
Molecular consequence: missense variant.
Genome position (GRCh38, 1-based): chr10:95,621,105, C>G on the plus strand (G>C on the coding strand, the complement: ALDH18A1 is on the minus strand). VCF-style: chr10-95621105-C-G. GRCh37 (hg19) VCF-style: chr10-97380862-C-G.
Other names: c.1387G>C, p.Glu463Gln (NM_001017423.2, NM_001323415.2); c.1060G>C, p.Glu354Gln (NM_001323412.2, NM_001323416.2); c.1393G>C, p.Glu465Gln (NM_001323413.2, NM_001323414.2); c.1288G>C, p.Glu430Gln (NM_001323417.2); c.1054G>C, p.Glu352Gln (NM_001323418.2); c.757G>C, p.Glu253Gln (NM_001323419.2); short protein forms E465Q, E430Q, E253Q, E354Q, E463Q, E352Q.
Identifiers: ClinVar variation 579657 (VCV000579657.12), dbSNP rs757876226, ClinGen allele CA377701378.